The following is an entry in ClinVar:

NM_017525.3(CDC42BPG):c.4231T>A (p.Phe1411Ile)

Gene: CDC42BPG (CDC42 binding protein kinase gamma; minus strand). Cytogenetic location: 11q13.1.
Variant type: single nucleotide variant.
Coding change: c.4231T>A on transcript NM_017525.3 (MANE Select); coding-DNA position 4231, T replaced by A.
Protein change: p.Phe1411Ile; replaces phenylalanine 1411 with isoleucine.
Molecular consequence: missense variant.
Genome position (GRCh38, 1-based): chr11:64,827,318, A>T on the plus strand (T>A on the coding strand, the complement: CDC42BPG is on the minus strand). VCF-style: chr11-64827318-A-T. GRCh37 (hg19) VCF-style: chr11-64594790-A-T.
Other names: short protein forms F1411I.
Identifiers: ClinVar variation 4868338 (VCV004868338.1).

ClinVar aggregate classification (germline): Uncertain significance (1 of 4 stars; one submission).

gnomAD v4.1: 8 of 1,613,840 alleles (0.0005%); highest among the groups gnomAD compares: African/African-American, 0.011%; no homozygotes.

Submission:

Ambry Genetics
Classification: Uncertain significance. Last evaluated: 2026-04-30. Review status: criteria provided, single submitter. Criteria: Ambry Variant Classification Scheme 2023. Collection method: clinical testing. Allele origin: germline.
Comment: The c.4231T>A (p.F1411I) alteration is located in exon 33 (coding exon 33) of the CDC42BPG gene. This alteration results from a T to A substitution at nucleotide position 4231, causing the phenylalanine (F) at amino acid position 1411 to be replaced by an isoleucine (I). Based on data from gnomAD, the A allele has an overall frequency of 0.006% (2/31370) total alleles studied. The highest observed frequency was 0.023% (2/8696) of African alleles. Based on insufficient or conflicting evidence, the clinical significance of this alteration remains unclear.